The following is an entry in ClinVar:

NM_001287.6(CLCN7):c.1867C>T (p.His623Tyr)

Gene: CLCN7 (chloride voltage-gated channel 7; minus strand). Cytogenetic location: 16p13.3.
Variant type: single nucleotide variant.
Coding change: c.1867C>T on transcript NM_001287.6 (MANE Select); coding-DNA position 1867, C replaced by T.
Protein change: p.His623Tyr; replaces histidine 623 with tyrosine.
Molecular consequence: missense variant.
Genome position (GRCh38, 1-based): chr16:1,448,697, G>A on the plus strand (C>T on the coding strand, the complement: CLCN7 is on the minus strand). VCF-style: chr16-1448697-G-A. GRCh37 (hg19) VCF-style: chr16-1498698-G-A.
Other names: c.1795C>T, p.His599Tyr (NM_001114331.3); c.1867C>T (NM_001287.4); short protein forms H599Y, H623Y.
Identifiers: ClinVar variation 1404319 (VCV001404319.9), dbSNP rs1183455019, ClinGen allele CA394186291.

ClinVar aggregate classification (germline): Uncertain significance. Review status: criteria provided, multiple submitters, no conflicts (2 of 4 stars). 2 submissions from 2 submitters: Uncertain significance (2). Last evaluated 2023-07-17.

Conditions:
Inborn genetic diseases. Identifiers: MedGen C0950123, MeSH D030342.

Allele frequency attached by ClinVar (database versions not stated): gnomAD exomes below 0.00001.
gnomAD v4.1: 2 of 1,612,740 alleles (0.00012%); highest among the groups gnomAD compares: Admixed American, 0.0033%; no homozygotes.

Submissions (2):

Labcorp Genetics (formerly Invitae), Labcorp
Classification: Uncertain significance. Last evaluated: 2023-07-17. Review status: criteria provided, single submitter. Criteria: Invitae Variant Classification Sherloc (09022015). Collection method: clinical testing. Allele origin: germline.
Comment: In summary, the available evidence is currently insufficient to determine the role of this variant in disease. Therefore, it has been classified as a Variant of Uncertain Significance. Advanced modeling of protein sequence and biophysical properties (such as structural, functional, and spatial information, amino acid conservation, physicochemical variation, residue mobility, and thermodynamic stability) performed at Invitae indicates that this missense variant is not expected to disrupt CLCN7 protein function. ClinVar contains an entry for this variant (Variation ID: 1404319). This variant has not been reported in the literature in individuals affected with CLCN7-related conditions. The frequency data for this variant in the population databases is considered unreliable, as metrics indicate poor data quality at this position in the gnomAD database. This sequence change replaces histidine, which is basic and polar, with tyrosine, which is neutral and polar, at codon 623 of the CLCN7 protein (p.His623Tyr).

Ambry Genetics
Classification: Uncertain significance for Inborn genetic diseases. Last evaluated: 2022-11-30. Review status: criteria provided, single submitter. Criteria: Ambry Variant Classification Scheme 2023. Collection method: clinical testing. Allele origin: germline.